The following is an entry in ClinVar:

ClinVar aggregate classification (germline): Benign/Likely benign. Review status: criteria provided, multiple submitters, no conflicts (2 of 4 stars). 7 submissions from 7 submitters: Benign (1); Likely benign (5). 1 of the submissions does not count toward it. Last evaluated 2026-01-05.

Conditions:
CHARGE syndrome (CHARGE). Also called: CHARGE ASSOCIATION--COLOBOMA, HEART ANOMALY, CHOANAL ATRESIA, RETARDATION, GENITAL AND EAR ANOMALIES; Coloboma, heart anomaly, choanal atresia, retardation, genital and ear anomalies; CHARGE association; Hall-Hittner syndrome; Hittner Hirsch Kreh syndrome. Identifiers: Orphanet 138, MedGen C0265354, MONDO:0008965.
Hypogonadotropic hypogonadism 5 with or without anosmia (KAL5). Also called: HYPOGONADOTROPIC HYPOGONADISM 5 WITH ANOSMIA; HYPOGONADOTROPHIC HYPOGONADISM 5 WITHOUT ANOSMIA; CHD7-Related GnRH Deficiency (Kallmann Syndrome 5). Identifiers: Orphanet 478, MedGen C3552553, MONDO:0012880, OMIM 612370. Disease mechanism: loss of function.
CHD7-related disorder. Also called: CHD7-related condition.

Allele frequency attached by ClinVar (database versions not stated): TOPMed 0.00005; ESP Exome Variant Server 0.00008; gnomAD exomes 0.00009; gnomAD 0.00010.

Submissions (7):

Labcorp Genetics (formerly Invitae), Labcorp
Classification: Likely benign for CHARGE syndrome. Last evaluated: 2026-01-05. Review status: criteria provided, single submitter. Criteria: Invitae Variant Classification Sherloc (09022015). Collection method: clinical testing. Allele origin: germline.

Blueprint Genetics
Classification: Likely benign. Last evaluated: 2024-09-16. Review status: criteria provided, single submitter. Criteria: ACMG Guidelines, 2015. Collection method: clinical testing. Allele origin: germline.

Women's Health and Genetics/Laboratory Corporation of America, LabCorp
Classification: Benign. Last evaluated: 2024-06-24. Review status: criteria provided, single submitter. Criteria: LabCorp Variant Classification Summary - May 2015. Collection method: clinical testing. Allele origin: germline.

CeGaT Center for Human Genetics Tuebingen
Classification: Likely benign. Last evaluated: 2022-09-01. Review status: criteria provided, single submitter. Criteria: CeGaT Center For Human Genetics Tuebingen Variant Classification Criteria Version 2. Collection method: clinical testing. Allele origin: germline. Affected: yes. Observed: 1 variant allele.
Comment: CHD7: BP4, BP7

Fulgent Genetics
Classification: Likely benign for CHD7-related CHARGE syndrome; Hypogonadotropic hypogonadism 5 with or without anosmia. Last evaluated: 2021-12-02. Review status: criteria provided, single submitter. Criteria: ACMG Guidelines, 2015. Collection method: clinical testing. Allele origin: unknown.

GeneDx
Classification: Likely benign. Last evaluated: 2021-02-24. Review status: criteria provided, single submitter. Criteria: GeneDx Variant Classification Process June 2021. Collection method: clinical testing. Allele origin: germline. Affected: yes.

PreventionGenetics, part of Exact Sciences
Classification: Likely benign for CHD7-related condition. Last evaluated: 2023-11-30. Review status: no assertion criteria provided. Collection method: clinical testing. Allele origin: germline. Not counted in ClinVar's aggregate classification.
Comment: This variant is classified as likely benign based on ACMG/AMP sequence variant interpretation guidelines (Richards et al. 2015 PMID: 25741868, with internal and published modifications).

NM_017780.4(CHD7):c.6108G>A (p.Pro2036=)

Gene: CHD7 (chromodomain helicase DNA binding protein 7; plus strand). Cytogenetic location: 8q12.2.
Variant type: single nucleotide variant.
Coding change: c.6108G>A on transcript NM_017780.4 (MANE Select); coding-DNA position 6108, G replaced by A.
Protein change: p.Pro2036=; no amino-acid change (proline 2036 retained).
Molecular consequence: synonymous variant. On other transcripts: intron variant (1).
Genome position (GRCh38, 1-based): chr8:60,852,833, G>A. VCF-style: chr8-60852833-G-A. GRCh37 (hg19) VCF-style: chr8-61765392-G-A.
Other names: c.1717-9396G>A (NM_001316690.1); c.6108G>A (LRG_176t1).
Identifiers: ClinVar variation 385046 (VCV000385046.41), dbSNP rs372755547, ClinGen allele CA4760534.